The following is an entry in ClinVar:

ClinVar aggregate classification (germline): Uncertain significance (1 of 4 stars; one submission).

Submission:

Labcorp Genetics (formerly Invitae), Labcorp
Classification: Uncertain significance. Last evaluated: 2021-12-02. Review status: criteria provided, single submitter. Criteria: Invitae Variant Classification Sherloc (09022015). Collection method: clinical testing. Allele origin: germline.
Comment: This variant is not present in population databases (gnomAD no frequency). In summary, the available evidence is currently insufficient to determine the role of this variant in disease. Therefore, it has been classified as a Variant of Uncertain Significance. Advanced modeling of protein sequence and biophysical properties (such as structural, functional, and spatial information, amino acid conservation, physicochemical variation, residue mobility, and thermodynamic stability) performed at Invitae indicates that this missense variant is not expected to disrupt DCHS1 protein function. This variant has not been reported in the literature in individuals affected with DCHS1-related conditions. This sequence change replaces glycine, which is neutral and non-polar, with arginine, which is basic and polar, at codon 1973 of the DCHS1 protein (p.Gly1973Arg).

NM_003737.4(DCHS1):c.5917G>C (p.Gly1973Arg)

Gene: DCHS1 (dachsous cadherin-related 1; minus strand). Cytogenetic location: 11p15.4.
Variant type: single nucleotide variant.
Coding change: c.5917G>C on transcript NM_003737.4 (MANE Select); coding-DNA position 5917, G replaced by C.
Protein change: p.Gly1973Arg; replaces glycine 1973 with arginine.
Molecular consequence: missense variant.
Genome position (GRCh38, 1-based): chr11:6,627,122, C>G on the plus strand (G>C on the coding strand, the complement: DCHS1 is on the minus strand). VCF-style: chr11-6627122-C-G. GRCh37 (hg19) VCF-style: chr11-6648353-C-G.
Other names: short protein forms G1973R.
Identifiers: ClinVar variation 1467457 (VCV001467457.6), dbSNP rs2134619243, ClinGen allele CA379391206.